The following is an entry in ClinVar:

NM_001009944.3(PKD1):c.7921C>T (p.Gln2641Ter)

Gene: PKD1 (polycystin 1, transient receptor potential channel interacting; minus strand). Cytogenetic location: 16p13.3.
Variant type: single nucleotide variant.
Coding change: c.7921C>T on transcript NM_001009944.3 (MANE Select); coding-DNA position 7921, C replaced by T.
Protein change: p.Gln2641Ter; replaces glutamine 2641 with a stop codon.
Molecular consequence: nonsense.
Genome position (GRCh38, 1-based): chr16:2,105,417, G>A on the plus strand (C>T on the coding strand, the complement: PKD1 is on the minus strand). VCF-style: chr16-2105417-G-A. GRCh37 (hg19) VCF-style: chr16-2155418-G-A.
Other names: c.7921C>T (NM_001009944.2, NM_000296.3); c.7921C>T, p.Gln2641Ter (NM_000296.4); short protein forms Q2641*.
Identifiers: ClinVar variation 974504 (VCV000974504.45), dbSNP rs764840802, ClinGen allele CA394366147.

ClinVar aggregate classification (germline): Pathogenic. Review status: criteria provided, multiple submitters, no conflicts (2 of 4 stars). 9 submissions from 9 submitters: Pathogenic (9). Last evaluated 2026-09-01.

Conditions:
Polycystic kidney disease, adult type (PKD1). Also called: Polycystic Kidney, Autosomal Dominant; POLYCYSTIC KIDNEY DISEASE, ADULT, TYPE I; Polycystic Kidney Disease 1, Autosomal Dominant; Polycystic kidney disease 1; Polycystic kidney disease 1, severe; POLYCYSTIC KIDNEY DISEASE 1 WITH OR WITHOUT POLYCYSTIC LIVER DISEASE. Identifiers: MedGen C3149841, MONDO:0008263, OMIM 173900.
PKD1-related disorder. Also called: PKD1-related condition.
Inborn genetic diseases. Identifiers: MedGen C0950123, MeSH D030342.

gnomAD v4.1: 1 of 1,584,844 alleles (0.000063%); highest among the groups gnomAD compares: Non-Finnish European, 0.000085%; no homozygotes.

Submissions (9):

GeneDx
Classification: Pathogenic. Last evaluated: 2026-09-01. Review status: criteria provided, single submitter. Criteria: GeneDx Variant Classification Process June 2021. Collection method: clinical testing. Allele origin: germline.
Comment: Nonsense variant predicted to result in protein truncation or nonsense mediated decay in a gene for which loss-of-function is a known mechanism of disease; Not observed at significant frequency in large population cohorts (gnomAD); This variant is associated with the following publications: (PMID: 33532864, 26150605, 36938073, 35177841, 37509056)

PreventionGenetics, part of Exact Sciences
Classification: Pathogenic for PKD1-related condition. Last evaluated: 2025-07-30. Review status: criteria provided, single submitter. Criteria: ACMG Guidelines, 2015. Collection method: clinical testing. Allele origin: germline.
Comment: The PKD1 c.7921C>T variant is predicted to result in premature protein termination (p.Gln2641*). This variant has been reported to be causative for polycystic kidney disease (see for example, Supplemental Table 3, Cornec-Le Gall et al. 2016. PubMed ID: 26150605; Supplementary Table 2, Domingo-Gallego et al. 2021. PubMed ID: 33532864). This variant has not been reported in a large population database (gnomAD), indicating this variant is rare. Nonsense variants in PKD1 are expected to be pathogenic. This variant is interpreted as pathogenic.

Women's Health and Genetics/Laboratory Corporation of America, LabCorp
Classification: Pathogenic for Polycystic kidney disease, adult type. Last evaluated: 2024-12-09. Review status: criteria provided, single submitter. Criteria: LabCorp Variant Classification Summary - May 2015. Collection method: clinical testing. Allele origin: germline.
Comment: Variant summary: PKD1 c.7921C>T (p.Gln2641X) results in a premature termination codon, predicted to cause a truncation of the encoded protein or absence of the protein due to nonsense mediated decay, which are commonly known mechanisms for disease. The variant was absent in 231108 control chromosomes. c.7921C>T has been reported in the literature in individuals affected with Polycystic Kidney Disease 1 (e.g. Domingo-Gallego_2022). To our knowledge, no experimental evidence demonstrating an impact on protein function has been reported. The following publication have been ascertained in the context of this evaluation (PMID: 33532864). ClinVar contains an entry for this variant (Variation ID: 974504). Based on the evidence outlined above, the variant was classified as pathogenic.

Fulgent Genetics
Classification: Pathogenic for Polycystic kidney disease, adult type. Last evaluated: 2024-03-19. Review status: criteria provided, single submitter. Criteria: ACMG Guidelines, 2015. Collection method: clinical testing. Allele origin: germline.

CeGaT Center for Human Genetics Tuebingen
Classification: Pathogenic. Last evaluated: 2023-02-01. Review status: criteria provided, single submitter. Criteria: CeGaT Center For Human Genetics Tuebingen Variant Classification Criteria Version 2. Collection method: clinical testing. Allele origin: germline. Affected: yes. Observed: 1 variant allele.
Comment: PKD1: PVS1, PM2

Ambry Genetics
Classification: Pathogenic for Inborn genetic diseases. Last evaluated: 2022-07-19. Review status: criteria provided, single submitter. Criteria: Ambry Variant Classification Scheme 2023. Collection method: clinical testing. Allele origin: germline.
Comment: The c.7921C>T (p.Q2641*) alteration, located in exon 21 (coding exon 21) of the PKD1 gene, consists of a C to T substitution at nucleotide position 7921. This changes the amino acid from a glutamine (Q) to a stop codon at amino acid position 2641. This alteration is expected to result in loss of function by premature protein truncation or nonsense-mediated mRNA decay. This variant was not reported in population-based cohorts in the Genome Aggregation Database (gnomAD). This variant has been reported in two individuals with polycystic kidney disease (Carrera, 2016; Cornec-Le Gall, 2016). Based on the available evidence, this alteration is classified as pathogenic.

Blueprint Genetics
Classification: Pathogenic for PKD1-related disorders. Last evaluated: 2022-06-22. Review status: criteria provided, single submitter. Criteria: ACMG Guidelines, 2015. Collection method: clinical testing. Allele origin: germline. Affected: yes. Observed: 2 variant alleles.

Revvity Omics, Revvity
Classification: Pathogenic for Polycystic kidney disease, adult type. Last evaluated: 2020-06-08. Review status: criteria provided, single submitter. Criteria: ACMG Guidelines, 2015. Collection method: clinical testing. Allele origin: germline.

Molecular Biology Laboratory, Fundació Puigvert
Classification: Pathogenic for Polycystic kidney disease, adult type. Last evaluated: 2020-02-01. Review status: criteria provided, single submitter. Criteria: ACMG Guidelines, 2015. Collection method: research. Allele origin: de novo. Affected: yes. Study: KidneyPanel_2020.

Literature cited by the submitters: PubMed 33532864 (cited by Women's Health and Genetics/Laboratory Corporation of America, LabCorp and Molecular Biology Laboratory, Fundació Puigvert); PubMed 26150605 (cited by Ambry Genetics); PubMed 27499327 (cited by Ambry Genetics).